The following is an entry in ClinVar:

NM_022552.5(DNMT3A):c.177+9C>T

Gene: DNMT3A (DNA methyltransferase 3 alpha; minus strand). Cytogenetic location: 2p23.3.
Variant type: single nucleotide variant.
Coding change: c.177+9C>T on transcript NM_022552.5 (MANE Select); 9 bases into the intron after coding-DNA position 177, C replaced by T.
Molecular consequence: intron variant.
Genome position (GRCh38, 1-based): chr2:25,300,130, G>A on the plus strand (C>T on the coding strand, the complement: DNMT3A is on the minus strand). VCF-style: chr2-25300130-G-A. GRCh37 (hg19) VCF-style: chr2-25522999-G-A.
Other names: c.177+9C>T (NM_175629.2, NM_175630.1, NM_001320892.2).
Identifiers: ClinVar variation 5000966 (VCV005000966.1).
Genomic context (GRCh38, chr2:25,300,130, plus strand): 5'-GCCATCGACAGGCCAGGCACGTGTGTGTTGTGTGTGTGCACAGGAGGGTGTGTAGGATGT[G>A]ACACTCACCGGGGGGTGCTTGCGCTTCCTCCCAGGCCGCCCCACCTTCCGTGCCGTGGTG-3'

ClinVar aggregate classification (germline): Likely benign (1 of 4 stars; one submission).

Conditions:
DNMT3A-related disorder. Also called: DNMT3A-related disorders; DNMT3A-related condition.

gnomAD v4.1: 2 of 1,612,516 alleles (0.00012%); highest among the groups gnomAD compares: African/African-American, 0.0013%; no homozygotes.

Submission:

PreventionGenetics, part of Exact Sciences
Classification: Likely benign for DNMT3A-related condition. Last evaluated: 2025-04-23. Review status: criteria provided, single submitter. Criteria: ACMG Guidelines, 2015. Collection method: clinical testing. Allele origin: germline.
Comment: This variant is classified as likely benign based on ACMG/AMP sequence variant interpretation guidelines (Richards et al. 2015 PMID: 25741868, with internal and published modifications).